The following is an entry in ClinVar:

NM_006514.4(SCN10A):c.5606G>T (p.Arg1869Leu)

Gene: SCN10A (sodium voltage-gated channel alpha subunit 10; minus strand). Cytogenetic location: 3p22.2.
Variant type: single nucleotide variant.
Coding change: c.5606G>T on transcript NM_006514.4 (MANE Select); coding-DNA position 5606, G replaced by T.
Protein change: p.Arg1869Leu; replaces arginine 1869 with leucine.
Molecular consequence: missense variant.
Genome position (GRCh38, 1-based): chr3:38,697,614, C>A on the plus strand (G>T on the coding strand, the complement: SCN10A is on the minus strand). VCF-style: chr3-38697614-C-A. GRCh37 (hg19) VCF-style: chr3-38739105-C-A.
Other names: c.5603G>T, p.Arg1868Leu (NM_001293306.2); c.5312G>T, p.Arg1771Leu (NM_001293307.2); short protein forms R1771L, R1868L, R1869L.
Identifiers: ClinVar variation 4681818 (VCV004681818.5).

ClinVar aggregate classification (germline): Uncertain significance (1 of 4 stars; one submission).

gnomAD v4.1: 3 of 1,614,146 alleles (0.00019%); highest among the groups gnomAD compares: Non-Finnish European, 0.00025%; no homozygotes.

Submission:

CeGaT Center for Human Genetics Tuebingen
Classification: Uncertain significance. Last evaluated: 2025-12-01. Review status: criteria provided, single submitter. Criteria: CeGaT Center For Human Genetics Tuebingen Variant Classification Criteria Version 2. Collection method: clinical testing. Allele origin: germline. Affected: yes. Observed: 1 variant allele.
Comment: SCN10A: PM2